The following is an entry in ClinVar:

NM_001079827.2(CLRN2):c.396C>T (p.Ser132=)

Gene: CLRN2 (clarin 2; plus strand). Cytogenetic location: 4p15.32.
Variant type: single nucleotide variant.
Coding change: c.396C>T on transcript NM_001079827.2 (MANE Select); coding-DNA position 396, C replaced by T.
Protein change: p.Ser132=; no amino-acid change (serine 132 retained).
Molecular consequence: synonymous variant.
Genome position (GRCh38, 1-based): chr4:17,523,006, C>T. VCF-style: chr4-17523006-C-T. GRCh37 (hg19) VCF-style: chr4-17524629-C-T.
Identifiers: ClinVar variation 4966760 (VCV004966760.2).
Genomic context (GRCh38, chr4:17,523,006, plus strand): 5'-TCTGGTCAGCATGGGCTTTGCCATTCTTAACATGATCCAGGTCCCGTACCGGGCAGTCAG[C>T]GGTCCTGGGGGCATCTGCCTATGGAATGTCCTGGCAGGTAAGAAGTCCCTTAGGGAGAGA-3'
Protein context (NP_001073296.1, residues 122-142): NMIQVPYRAV[Ser132=]GPGGICLWNV

ClinVar aggregate classification (germline): Likely benign. Review status: criteria provided, multiple submitters, no conflicts (2 of 4 stars). 2 submissions from 2 submitters: Likely benign (2). Last evaluated 2026-09-09.

Conditions:
CLRN2-related disorder. Also called: CLRN2-related condition.

gnomAD v4.1: 175 of 1,613,406 alleles (0.011%); highest among the groups gnomAD compares: Non-Finnish European, 0.014%; no homozygotes.

Submissions (2):

PreventionGenetics, part of Exact Sciences
Classification: Likely benign for CLRN2-related condition. Last evaluated: 2026-09-09. Review status: criteria provided, single submitter. Criteria: ACMG Guidelines, 2015. Collection method: clinical testing. Allele origin: germline.
Comment: This variant is classified as likely benign based on ACMG/AMP sequence variant interpretation guidelines (Richards et al. 2015 PMID: 25741868, with internal and published modifications).

Blueprint Genetics
Classification: Likely benign. Last evaluated: 2024-03-05. Review status: criteria provided, single submitter. Criteria: ACMG Guidelines, 2015. Collection method: clinical testing. Allele origin: germline.